The following is an entry in ClinVar:

ClinVar aggregate classification (germline): Uncertain significance (1 of 4 stars; one submission).

Conditions:
Inborn genetic diseases. Identifiers: MedGen C0950123, MeSH D030342.

Submission:

Ambry Genetics
Classification: Uncertain significance for Inborn genetic diseases. Last evaluated: 2023-12-10. Review status: criteria provided, single submitter. Criteria: Ambry Variant Classification Scheme 2023. Collection method: clinical testing. Allele origin: germline.
Comment: The p.M342V variant (also known as c.1024A>G), located in coding exon 10 of the AKT1 gene, results from an A to G substitution at nucleotide position 1024. The methionine at codon 342 is replaced by valine, an amino acid with highly similar properties. This amino acid position is conserved. In addition, the in silico prediction for this alteration is inconclusive. Since supporting evidence is limited at this time, the clinical significance of this alteration remains unclear.

NM_001382430.1(AKT1):c.1024A>G (p.Met342Val)

Gene: AKT1 (AKT serine/threonine kinase 1; minus strand). Cytogenetic location: 14q32.33.
Variant type: single nucleotide variant.
Coding change: c.1024A>G on transcript NM_001382430.1 (MANE Select); coding-DNA position 1024, A replaced by G.
Protein change: p.Met342Val; replaces methionine 342 with valine.
Molecular consequence: missense variant.
Genome position (GRCh38, 1-based): chr14:104,773,026, T>C on the plus strand (A>G on the coding strand, the complement: AKT1 is on the minus strand). VCF-style: chr14-104773026-T-C. GRCh37 (hg19) VCF-style: chr14-105239363-T-C.
Other names: c.1024A>G, p.Met342Val (NM_001014431.2, NM_001014432.2, NM_001382431.1 and 3 more transcripts); short protein forms M342V.
Identifiers: ClinVar variation 3224605 (VCV003224605.1), dbSNP rs2140901990, ClinGen allele CA391217174.